The following is an entry in ClinVar:

ClinVar aggregate classification (germline): Likely pathogenic (1 of 4 stars; one submission).

Allele frequency attached by ClinVar (database versions not stated): gnomAD 0.00001; TOPMed 0.00002.
gnomAD v4.1: 4 of 1,611,866 alleles (0.00025%); highest among the groups gnomAD compares: Non-Finnish European, 0.00034%; no homozygotes.

Submission:

GeneDx
Classification: Likely pathogenic. Last evaluated: 2019-02-15. Review status: criteria provided, single submitter. Criteria: GeneDx Variant Classification (06012015). Collection method: clinical testing. Allele origin: germline. Affected: yes.
Comment: The E657X variant has not been published as a pathogenic variant, nor has it been reported as a benign variant to our knowledge. The E657X nonsense variant is predicted to cause loss of normal protein function either through protein truncation or nonsense-mediated mRNA decay. Furthermore, the E657X variant is not observed in large population cohorts (Lek et al., 2016). Therefore, this variant is likely pathogenic; however, the possibility that it is benign cannot be excluded.

NM_024989.4(PGAP1):c.1969G>T (p.Glu657Ter)

Gene: PGAP1 (post-GPI attachment to proteins inositol deacylase 1; minus strand). Cytogenetic location: 2q33.1.
Variant type: single nucleotide variant.
Coding change: c.1969G>T on transcript NM_024989.4 (MANE Select); coding-DNA position 1969, G replaced by T.
Protein change: p.Glu657Ter; replaces glutamic acid 657 with a stop codon.
Molecular consequence: nonsense.
Genome position (GRCh38, 1-based): chr2:196,847,184, C>A on the plus strand (G>T on the coding strand, the complement: PGAP1 is on the minus strand). VCF-style: chr2-196847184-C-A. GRCh37 (hg19) VCF-style: chr2-197711908-C-A.
Other names: c.1447G>T, p.Glu483Ter (NM_001321099.2); c.802G>T, p.Glu268Ter (NM_001321100.2); short protein forms E268*, E483*, E657*.
Identifiers: ClinVar variation 816976 (VCV000816976.1), dbSNP rs1169608420, ClinGen allele CA350187354.
Genomic context (GRCh38, chr2:196,847,184, plus strand): 5'-TACTCTGACAAGTTAAAATGACGGCATCTAATTCTGGTAACAATAATACATCCCACAATT[C>A]TTTAAACCATTTATACCTGTGGAGAAAAGAAAATATAAAAGCAAAAAACCCAACAACTGA-3'